The following is an entry in ClinVar:

ClinVar aggregate classification (germline): Uncertain significance (1 of 4 stars; one submission).

Conditions:
Autosomal recessive ataxia, Beauce type. Also called: SYNE1-Related Autosomal Recessive Cerebellar Ataxia; Spinocerebellar ataxia, autosomal recessive 8; ATAXIA, RECESSIVE, OF BEAUCE; SYNE1 Deficiency. Identifiers: Orphanet 88644, MedGen C1853116, MONDO:0012549, OMIM 610743.
Emery-Dreifuss muscular dystrophy 4, autosomal dominant (EDMD4). Also called: EMERY-DREIFUSS MUSCULAR DYSTROPHY 4 WITH VARIABLE FEATURES. Identifiers: Orphanet 261, MedGen C2751807, MONDO:0013071, OMIM 612998.

Submission:

Labcorp Genetics (formerly Invitae), Labcorp
Classification: Uncertain significance for Emery-Dreifuss muscular dystrophy 4, autosomal dominant; Autosomal recessive ataxia, Beauce type. Last evaluated: 2025-12-16. Review status: criteria provided, single submitter. Criteria: Invitae Variant Classification Sherloc (09022015). Collection method: clinical testing. Allele origin: germline.
Comment: This sequence change replaces tryptophan, which is neutral and slightly polar, with leucine, which is neutral and non-polar, at codon 2206 of the SYNE1 protein (p.Trp2206Leu). This variant is not present in population databases (gnomAD no frequency). This variant has not been reported in the literature in individuals affected with SYNE1-related conditions. An algorithm developed to predict the effect of missense changes on protein structure and function (PolyPhen-2) suggests that this variant is likely to be disruptive. In summary, the available evidence is currently insufficient to determine the role of this variant in disease. Therefore, it has been classified as a Variant of Uncertain Significance.

NM_182961.4(SYNE1):c.6596G>T (p.Trp2199Leu)

Gene: SYNE1 (spectrin repeat containing nuclear envelope protein 1; minus strand). Cytogenetic location: 6q25.2.
Variant type: single nucleotide variant.
Coding change: c.6596G>T on transcript NM_182961.4 (MANE Select); coding-DNA position 6596, G replaced by T.
Protein change: p.Trp2199Leu; replaces tryptophan 2199 with leucine.
Molecular consequence: missense variant.
Genome position (GRCh38, 1-based): chr6:152,407,141, C>A on the plus strand (G>T on the coding strand, the complement: SYNE1 is on the minus strand). VCF-style: chr6-152407141-C-A. GRCh37 (hg19) VCF-style: chr6-152728276-C-A.
Other names: c.6617G>T, p.Trp2206Leu (NM_033071.5); short protein forms W2199L, W2206L.
Identifiers: ClinVar variation 4785674 (VCV004785674.1).
Genomic context (GRCh38, chr6:152,407,141, plus strand): 5'-TGTGGAACGCAGTTGTTTGACCATCCCTCAATCTCATCTCTAGTTGACAGTACATCATCC[C>A]AAATGGACAGGCTTACTCTCAGCCTATCCATGTTTTCTTCAAGTTTCTCTGATACCTAGG-3'
Protein context (NP_892006.3, residues 2189-2209): MDRLRVSLSI[Trp2199Leu]DDVLSTRDEI